The following is an entry in ClinVar:

ClinVar aggregate classification (germline): Uncertain significance. Review status: criteria provided, multiple submitters, no conflicts (2 of 4 stars). 2 submissions from 2 submitters: Uncertain significance (2). Last evaluated 2025-05-11.

Conditions:
Fanconi anemia (FA). Also called: Fanconi's anemia. Identifiers: Orphanet 84, MedGen C0015625, MeSH D005199, MONDO:0019391.

Allele frequency attached by ClinVar (database versions not stated): TOPMed below 0.00001; gnomAD 0.00001.
gnomAD v4.1: 1 of 1,613,934 alleles (0.000062%); highest among the groups gnomAD compares: African/African-American, 0.0013%; no homozygotes.

Submissions (2):

Labcorp Genetics (formerly Invitae), Labcorp
Classification: Uncertain significance for Fanconi anemia. Last evaluated: 2025-05-11. Review status: criteria provided, single submitter. Criteria: Invitae Variant Classification Sherloc (09022015). Collection method: clinical testing. Allele origin: germline.
Comment: This sequence change replaces aspartic acid, which is acidic and polar, with asparagine, which is neutral and polar, at codon 1393 of the FANCD2 protein (p.Asp1393Asn). This variant is not present in population databases (gnomAD no frequency). This variant has not been reported in the literature in individuals affected with FANCD2-related conditions. ClinVar contains an entry for this variant (Variation ID: 1692054). Invitae Evidence Modeling of protein sequence and biophysical properties (such as structural, functional, and spatial information, amino acid conservation, physicochemical variation, residue mobility, and thermodynamic stability) indicates that this missense variant is not expected to disrupt FANCD2 protein function with a negative predictive value of 80%. In summary, the available evidence is currently insufficient to determine the role of this variant in disease. Therefore, it has been classified as a Variant of Uncertain Significance.

Sema4
Classification: Uncertain significance for Fanconi anemia. Last evaluated: 2021-08-10. Review status: criteria provided, single submitter. Criteria: Sema4 Curation Guidelines. Collection method: curation. Allele origin: germline.
Comment: The FANCD2 c.4177G>A (p.D1393N) variant has not been reported in the literature to our knowledge. It was not observed in the large and broad cohorts of the Genome Aggregation Database. The variant has not been reported in ClinVar. Functional studies have not been performed, and in silico predictions of the variant's effect on protein function are inconclusive. The evidence is insufficient to meet ACMG/AMP criteria for classifying the variant as benign or pathogenic. Thus, the clinical significance of this variant is currently uncertain.

NM_001018115.3(FANCD2):c.4177G>A (p.Asp1393Asn)

Genes: FANCD2 (FA complementation group D2; plus strand), FANCD2OS (FANCD2 opposite strand; minus strand). Cytogenetic location: 3p25.3.
Variant type: single nucleotide variant.
Coding change: c.4177G>A on transcript NM_001018115.3 (MANE Select); coding-DNA position 4177, G replaced by A.
Protein change: p.Asp1393Asn; replaces aspartic acid 1393 with asparagine.
Molecular consequence: missense variant. On other transcripts: intron variant (1).
Genome position (GRCh38, 1-based): chr3:10,096,464, G>A. VCF-style: chr3-10096464-G-A. GRCh37 (hg19) VCF-style: chr3-10138148-G-A.
Other names: c.4177G>A, p.Asp1393Asn (NM_001319984.2, NM_033084.6); c.4066G>A, p.Asp1356Asn (NM_001374253.1); c.4138G>A, p.Asp1380Asn (NM_001374254.1); c.*43+7734C>T (NM_173472.2); short protein forms D1356N, D1380N, D1393N.
Identifiers: ClinVar variation 1692054 (VCV001692054.1), dbSNP rs1273669064, ClinGen allele CA351758049.